The following is an entry in ClinVar:

ClinVar aggregate classification (germline): Uncertain significance. Review status: criteria provided, multiple submitters, no conflicts (2 of 4 stars). 5 submissions from 5 submitters: Uncertain significance (4). 1 of the submissions does not count toward it. Last evaluated 2025-12-24.

Conditions:
Dyskeratosis congenita. Identifiers: Orphanet 1775, MedGen C0265965, MONDO:0015780.
Dyskeratosis congenita, autosomal recessive 5 (DKCB5). Identifiers: MedGen C3554656, MONDO:0014076, OMIM 615190.
Pulmonary fibrosis and/or bone marrow failure, Telomere-related, 3. Also called: PULMONARY FIBROSIS AND/OR BONE MARROW FAILURE SYNDROME, TELOMERE-RELATED, 3. Identifiers: Orphanet 2032, MedGen C4225346, MONDO:0014613, OMIM 616373.
RTEL1-related disorder. Also called: RTEL1-related condition; RTEL1-related disorders.

Allele frequency attached by ClinVar (database versions not stated): ExAC 0.00001; gnomAD exomes 0.00002 and 0.00003; TOPMed 0.00003; gnomAD 0.00005; ESP Exome Variant Server 0.00008.
gnomAD v4.1: 58 of 1,587,630 alleles (0.0037%); highest among the groups gnomAD compares: Non-Finnish European, 0.0047%; no homozygotes.

Submissions (5):

Labcorp Genetics (formerly Invitae), Labcorp
Classification: Uncertain significance for Dyskeratosis congenita, autosomal recessive 5; Pulmonary fibrosis and/or bone marrow failure, Telomere-related, 3. Last evaluated: 2025-12-24. Review status: criteria provided, single submitter. Criteria: Invitae Variant Classification Sherloc (09022015). Collection method: clinical testing. Allele origin: germline.
Comment: This sequence change falls in intron 31 of the RTEL1 gene. It does not directly change the encoded amino acid sequence of the RTEL1 protein. It affects a nucleotide within the consensus splice site. This variant is present in population databases (rs372267276, gnomAD 0.007%). This variant has not been reported in the literature in individuals affected with RTEL1-related conditions. ClinVar contains an entry for this variant (Variation ID: 1692627). Variants that disrupt the consensus splice site are a relatively common cause of aberrant splicing (PMID: 17576681, 9536098). Algorithms developed to predict the effect of sequence changes on RNA splicing suggest that this variant is not likely to affect RNA splicing. In summary, the available evidence is currently insufficient to determine the role of this variant in disease. Therefore, it has been classified as a Variant of Uncertain Significance.

Mayo Clinic Laboratories, Mayo Clinic
Classification: Uncertain significance. Last evaluated: 2024-03-23. Review status: criteria provided, single submitter. Criteria: ACMG Guidelines, 2015. Collection method: clinical testing. Allele origin: germline. Observed: 1 variant allele.
Comment: BP4

ARUP Laboratories, Molecular Genetics and Genomics, ARUP Laboratories
Classification: Uncertain significance. Last evaluated: 2024-01-03. Review status: criteria provided, single submitter. Criteria: ARUP Molecular Germline Variant Investigation Process 2024. Collection method: clinical testing. Allele origin: germline.

Sema4
Classification: Uncertain significance for Dyskeratosis congenita. Last evaluated: 2021-12-17. Review status: criteria provided, single submitter. Criteria: Sema4 Curation Guidelines. Collection method: curation. Allele origin: germline.
Comment: The RTEL1 c.3109+5C>T variant has not been reported in the literature to our knowledge. This variant was observed in 9/123132 chromosomes of the European (non-Finnish) subpopulation according to the Genome Aggregation Database (PMID: 32461654). This variant has not been reported in ClinVar. In silico tools that predict the effect of sequence changes on splicing suggest that this variant may not impact splicing, though these predictions have not been confirmed by functional studies. The overall evidence is insufficient to meet ACMG/AMP criteria for classifying it as benign or pathogenic. In summary, the clinical significance of this variant is currently uncertain.

PreventionGenetics, part of Exact Sciences
Classification: Likely benign for RTEL1-related condition. Last evaluated: 2019-05-31. Review status: no assertion criteria provided. Collection method: clinical testing. Allele origin: germline. Not counted in ClinVar's aggregate classification.
Comment: This variant is classified as likely benign based on ACMG/AMP sequence variant interpretation guidelines (Richards et al. 2015 PMID: 25741868, with internal and published modifications).

Literature cited by the submitters: PubMed 17576681 (cited by Labcorp Genetics (formerly Invitae), Labcorp); PubMed 9536098 (cited by Labcorp Genetics (formerly Invitae), Labcorp).

NM_001283009.2(RTEL1):c.3109+5C>T

Genes: RTEL1 (regulator of telomere elongation helicase 1; plus strand), RTEL1-TNFRSF6B (RTEL1-TNFRSF6B readthrough (NMD candidate); plus strand). Cytogenetic location: 20q13.33.
Variant type: single nucleotide variant.
Coding change: c.3109+5C>T on transcript NM_001283009.2 (MANE Select); 5 bases into the intron after coding-DNA position 3109, C replaced by T.
Molecular consequence: intron variant.
Genome position (GRCh38, 1-based): chr20:63,694,493, C>T. VCF-style: chr20-63694493-C-T. GRCh37 (hg19) VCF-style: chr20-62325846-C-T.
Other names: c.3181+5C>T (NM_032957.4, NM_032957.5); c.2440+5C>T (NM_001283010.1); c.3109+5C>T (NM_016434.4).
Identifiers: ClinVar variation 1692627 (VCV001692627.10), dbSNP rs372267276, ClinGen allele CA9965839.